The following is an entry in ClinVar:

ClinVar aggregate classification (germline): Uncertain significance. Review status: criteria provided, multiple submitters, no conflicts (2 of 4 stars). 13 submissions from 13 submitters: Uncertain significance (12). 1 of the submissions does not count toward it. Last evaluated 2026-08-18.

Conditions:
POLG-related disorder. Also called: POLG-related condition; POLG-Related Disorders; POLG-Related Spectrum Disorders. Identifiers: MedGen C4763519.
Inborn genetic diseases. Identifiers: MedGen C0950123, MeSH D030342.
Progressive sclerosing poliodystrophy (MTDPS4A). Also called: Mitochondrial DNA depletion syndrome 4A (Alpers type); Alpers Syndrome; NEURONAL DEGENERATION OF CHILDHOOD WITH LIVER DISEASE, PROGRESSIVE; ALPERS PROGRESSIVE INFANTILE POLIODYSTROPHY; ALPERS DIFFUSE DEGENERATION OF CEREBRAL GRAY MATTER WITH HEPATIC CIRRHOSIS; Alpers-Huttenlocher Syndrome. Identifiers: Orphanet 726, MedGen C0205710, MONDO:0008758, OMIM 203700.
Progressive external ophthalmoplegia with mitochondrial DNA deletions, autosomal dominant 1 (PEOA1). Also called: PROGRESSIVE EXTERNAL OPHTHALMOPLEGIA, AUTOSOMAL DOMINANT 1; Autosomal Dominant Progressive External Ophthalmoplegia (adPEO). Identifiers: MedGen C1834846, MONDO:0024528, OMIM 157640.
Progressive external ophthalmoplegia with mitochondrial DNA deletions, autosomal recessive 1 (PEOB1). Also called: Progressive external ophthalmoplegia, autosomal recessive 1; Autosomal Recessive Progressive External Ophthalmoplegia (arPEO). Identifiers: Orphanet 254886, MedGen C4225153, MONDO:0009783, OMIM 258450.
Mitochondrial DNA depletion syndrome 4b. Also called: Mitochondrial Neurogastrointestinal Encephalopathy Disease, POLG-Related; MNGIE, POLG-RELATED. Identifiers: Orphanet 298, MedGen C3150914, MONDO:0013350, OMIM 613662.
Mitochondrial DNA depletion syndrome 1. Also called: Mitochondrial DNA depletion syndrome 1 (MNGIE type); POLIP SYNDROME; POLYNEUROPATHY, OPHTHALMOPLEGIA, LEUKOENCEPHALOPATHY, AND INTESTINAL PSEUDOOBSTRUCTION; Mitochondrial neurogastrointestinal encephalomyopathy syndrome; Mitochondrial Neurogastrointestinal Encephalopathy Disease; MITOCHONDRIAL NEUROGASTROINTESTINAL ENCEPHALOPATHY SYNDROME, TYMP-RELATED. Identifiers: Orphanet 298, MedGen C4551995, MONDO:0011283, OMIM 603041.
Sensory ataxic neuropathy, dysarthria, and ophthalmoparesis (SANDO). Also called: Epilepsy, progressive myoclonic, type 5; SENSORY ATAXIC NEUROPATHY WITH MITOCHONDRIAL DNA DELETIONS, AUTOSOMAL RECESSIVE; Ataxia Neuropathy Spectrum (ANS); Sensory ataxic neuropathy-dysarthria-ophthalmoparesis syndrome. Identifiers: Orphanet 70595, MedGen C1843851, MONDO:0011835, OMIM 607459.
Hereditary spastic paraplegia. Also called: Familial spastic paraparesis. Identifiers: Orphanet 685, MedGen C0037773, MONDO:0019064. Disease mechanism: loss of function.

Allele frequency attached by ClinVar (database versions not stated): gnomAD exomes 0.00004 and 0.00007; ExAC 0.00008; gnomAD 0.00021; TOPMed 0.00043; 1000 Genomes Project 0.00060; 1000 Genomes Project 30x 0.00062.
gnomAD v4.1: 92 of 1,614,174 alleles (0.0057%); highest among the groups gnomAD compares: Admixed American, 0.063%; 2 homozygotes.

Submissions (13):

GeneDx
Classification: Uncertain significance. Last evaluated: 2026-08-18. Review status: criteria provided, single submitter. Criteria: GeneDx Variant Classification Process June 2021. Collection method: clinical testing. Allele origin: germline.
Comment: Identified in a patient with Alpers syndrome in whom a second POLG pathogenic variant was not identified (Tang et al., 2011); In silico analysis supports that this missense variant has a deleterious effect on protein structure/function; This variant is associated with the following publications: (PMID: 16715201, 21880868, 30395865, 28480171, 29907797, 27377421, 28569743, 29420653)

PreventionGenetics, part of Exact Sciences
Classification: Uncertain significance for POLG-related condition. Last evaluated: 2026-02-10. Review status: criteria provided, single submitter. Criteria: ACMG Guidelines, 2015. Collection method: clinical testing. Allele origin: germline.
Comment: The POLG c.2369G>A variant is predicted to result in the amino acid substitution p.Arg790His. This variant has been reported in an individual with a clinical diagnosis of Alpers syndrome (Table S2, Tang et al. 2011. PubMed ID: 21880868). This variant is present in 0.029% of alleles in individuals of South Asian descent in gnomAD. At this time, the clinical significance of this variant is uncertain due to the absence of conclusive functional and genetic evidence.

Labcorp Genetics (formerly Invitae), Labcorp
Classification: Uncertain significance for Progressive sclerosing poliodystrophy. Last evaluated: 2026-02-01. Review status: criteria provided, single submitter. Criteria: Invitae Variant Classification Sherloc (09022015). Collection method: clinical testing. Allele origin: germline.
Comment: This sequence change replaces arginine, which is basic and polar, with histidine, which is basic and polar, at codon 790 of the POLG protein (p.Arg790His). This variant is present in population databases (rs191490663, gnomAD 0.03%). This missense change has been observed in individual(s) with Alpers syndrome (PMID: 21880868). ClinVar contains an entry for this variant (Variation ID: 194376). Invitae Evidence Modeling of protein sequence and biophysical properties (such as structural, functional, and spatial information, amino acid conservation, physicochemical variation, residue mobility, and thermodynamic stability) has been performed for this missense variant. However, the output from this modeling did not meet the statistical confidence thresholds required to predict the impact of this variant on POLG protein function. In summary, the available evidence is currently insufficient to determine the role of this variant in disease. Therefore, it has been classified as a Variant of Uncertain Significance.

Women's Health and Genetics/Laboratory Corporation of America, LabCorp
Classification: Uncertain significance. Last evaluated: 2025-12-02. Review status: criteria provided, single submitter. Criteria: LabCorp Variant Classification Summary - May 2015. Collection method: clinical testing. Allele origin: germline.
Comment: Variant summary: POLG c.2369G>A (p.Arg790His) results in a non-conservative amino acid change located in the palm domain (IPR047580) of the encoded protein sequence. Algorithms developed to predict the effect of missense changes on protein structure and function all suggest that this variant is likely to be disruptive. The variant allele was found at a frequency of 7.2e-05 in 251416 control chromosomes in the gnomAD database, including 1 homozygotes. This frequency is not significantly higher than estimated for disease-causing variants in POLG, allowing no conclusion about variant significance.c.2369G>A has been reported in the literature in the heterozygous state in an individual from a cohort of patients with presentations suggestive of POLG deficiency (Tang_2011). This report does not provide unequivocal conclusions about association of the variant with Mitochondrial DNA Depletion Syndrome - POLG Related. To our knowledge, no experimental evidence demonstrating an impact on protein function has been reported. The following publication has been ascertained in the context of this evaluation (PMID: 21880868). ClinVar contains an entry for this variant (Variation ID: 194376). Based on the evidence outlined above, the variant was classified as uncertain significance.

Athena Diagnostics
Classification: Uncertain significance. Last evaluated: 2024-12-02. Review status: criteria provided, single submitter. Criteria: Athena Diagnostics Criteria. Collection method: clinical testing. Allele origin: unknown.
Comment: Available data are insufficient to determine the clinical significance of the variant at this time. The frequency of this variant in the general population is uninformative in assessment of its pathogenicity. Polyphen and MutationTaster yielded discordant predictions regarding whether this amino acid change is damaging to the protein.

Mayo Clinic Laboratories, Mayo Clinic
Classification: Uncertain significance. Last evaluated: 2023-07-07. Review status: criteria provided, single submitter. Criteria: ACMG Guidelines, 2015. Collection method: clinical testing. Allele origin: germline. Observed: 1 variant allele.
Comment: PP3, PM2_moderate

Fulgent Genetics
Classification: Uncertain significance for Progressive external ophthalmoplegia with mitochondrial DNA deletions, autosomal dominant 1; Progressive sclerosing poliodystrophy; Progressive external ophthalmoplegia with mitochondrial DNA deletions, autosomal recessive 1; Mitochondrial DNA depletion syndrome 1; Sensory ataxic neuropathy, dysarthria, and ophthalmoparesis; Mitochondrial DNA depletion syndrome 4b. Last evaluated: 2022-04-29. Review status: criteria provided, single submitter. Criteria: ACMG Guidelines, 2015. Collection method: clinical testing. Allele origin: unknown.

Genome Diagnostics Laboratory, The Hospital for Sick Children
Classification: Uncertain significance for Hereditary spastic paraplegia. Last evaluated: 2021-11-12. Review status: criteria provided, single submitter. Criteria: ACMG Guidelines, 2015. Collection method: clinical testing. Allele origin: germline. Affected: yes.

Blueprint Genetics
Classification: Uncertain significance. Last evaluated: 2021-01-21. Review status: criteria provided, single submitter. Criteria: ACMG Guidelines, 2015. Collection method: clinical testing. Allele origin: germline.

Wong Mito Lab, Molecular and Human Genetics, Baylor College of Medicine
Classification: Uncertain significance for Progressive sclerosing poliodystrophy. Last evaluated: 2018-10-01. Review status: criteria provided, single submitter. Criteria: ACMG Guidelines, 2015. Collection method: clinical testing. Allele origin: germline.
Comment: The NM_002693.2:c.2369G>A (NP_002684.1:p.Arg790His) [GRCH38: NC_000015.10:g.89322799C>T] variant in POLG gene is interpretated to be a Uncertain Significance based on ACMG guidelines (PMID: 25741868). This variant meets the following evidence codes reported in the ACMG-guideline. PM2:This variant is absent in key population databases. Based on the evidence criteria codes applied, the variant is suggested to be Uncertain Significance.

Ambry Genetics
Classification: Uncertain significance for Inborn genetic diseases. Last evaluated: 2018-06-25. Review status: criteria provided, single submitter. Criteria: Ambry Variant Classification Scheme 2023. Collection method: clinical testing. Allele origin: germline.
Comment: The p.R790H variant (also known as c.2369G>A), located in coding exon 13 of the POLG gene, results from a G to A substitution at nucleotide position 2369. The arginine at codon 790 is replaced by histidine, an amino acid with highly similar properties. This variant has been described as an autosomal recessive alteration in a patient with Alpers syndrome, who did not have a second POLG alteration identified (Tang S et al. J. Med. Genet., 2011 Oct;48:669-81). This amino acid position is well conserved in available vertebrate species. In addition, this alteration is predicted to be deleterious by in silico analysis. Since supporting evidence is limited at this time, the clinical significance of this variant remains unclear.

Eurofins Ntd Llc (ga)
Classification: Uncertain significance. Last evaluated: 2018-01-12. Review status: criteria provided, single submitter. Criteria: EGL Classification Definitions 2015. Collection method: clinical testing. Allele origin: germline. Observed: 4 variant alleles, 4 heterozygotes.

Hong-Tao Li Lab, Institute of Brain Science and Brain-inspired Research, Shandong First Medical University & Shandong Academy of Medical Sciences China
Classification: Uncertain significance for Progressive sclerosing poliodystrophy. Review status: no assertion criteria provided. Collection method: research. Allele origin: germline. Inheritance: Autosomal recessive inheritance. Affected: yes. Observed: 1 variant allele, 1 homozygote. Not counted in ClinVar's aggregate classification.
Comment: Observed in affected individuals from a Pakistani neurodevelopmental-disorder research cohort of 263 individuals. Classification assigned using the ACMG/AMP framework. Population-frequency evidence: gnomAD AF 7.072e-05.

Literature cited by the submitters: PubMed 21880868 (cited by 5 submitters); PubMed 16715201 (cited by Ambry Genetics).

NM_002693.3(POLG):c.2369G>A (p.Arg790His)

Gene: POLG (DNA polymerase gamma, catalytic subunit; minus strand). Cytogenetic location: 15q26.1.
Variant type: single nucleotide variant.
Coding change: c.2369G>A on transcript NM_002693.3 (MANE Select); coding-DNA position 2369, G replaced by A.
Protein change: p.Arg790His; replaces arginine 790 with histidine.
Molecular consequence: missense variant.
Genome position (GRCh38, 1-based): chr15:89,322,799, C>T on the plus strand (G>A on the coding strand, the complement: POLG is on the minus strand). VCF-style: chr15-89322799-C-T. GRCh37 (hg19) VCF-style: chr15-89866030-C-T.
Other names: p.R790H:CGT>CAT; p.Arg790His; c.2369G>A, p.Arg790His (NM_001126131.2); short protein forms R790H.
Identifiers: ClinVar variation 194376 (VCV000194376.36), dbSNP rs191490663, ClinGen allele CA302756.